The following is an entry in ClinVar:

ClinVar aggregate classification (germline): Conflicting classifications of pathogenicity. Review status: criteria provided, conflicting classifications (1 of 4 stars). 2 submissions from 2 submitters: Uncertain significance (1); Likely benign (1). Last evaluated 2022-07-19.

Conditions:
Immunodeficiency-centromeric instability-facial anomalies syndrome 2 (ICF2). Identifiers: Orphanet 2268, MedGen C3279748, MONDO:0013553, OMIM 614069.
Inborn genetic diseases. Identifiers: MedGen C0950123, MeSH D030342.

Allele frequency attached by ClinVar (database versions not stated): ExAC 0.00005; gnomAD exomes 0.00006; TOPMed 0.00025; ESP Exome Variant Server 0.00031.

Submissions (2):

Labcorp Genetics (formerly Invitae), Labcorp
Classification: Uncertain significance for Immunodeficiency-centromeric instability-facial anomalies syndrome 2. Last evaluated: 2022-07-19. Review status: criteria provided, single submitter. Criteria: Invitae Variant Classification Sherloc (09022015). Collection method: clinical testing. Allele origin: germline.
Comment: This sequence change replaces glutamic acid, which is acidic and polar, with glutamine, which is neutral and polar, at codon 244 of the ZBTB24 protein (p.Glu244Gln). This variant is present in population databases (rs113516976, gnomAD 0.06%). This variant has not been reported in the literature in individuals affected with ZBTB24-related conditions. ClinVar contains an entry for this variant (Variation ID: 539533). Algorithms developed to predict the effect of missense changes on protein structure and function output the following: SIFT: "Not Available"; PolyPhen-2: "Benign"; Align-GVGD: "Not Available". The glutamine amino acid residue is found in multiple mammalian species, which suggests that this missense change does not adversely affect protein function. In summary, the available evidence is currently insufficient to determine the role of this variant in disease. Therefore, it has been classified as a Variant of Uncertain Significance.

Ambry Genetics
Classification: Likely benign for Inborn genetic diseases. Last evaluated: 2021-07-13. Review status: criteria provided, single submitter. Criteria: Ambry Variant Classification Scheme 2023. Collection method: clinical testing. Allele origin: germline.

NM_014797.3(ZBTB24):c.730G>C (p.Glu244Gln)

Gene: ZBTB24 (zinc finger and BTB domain containing 24; minus strand). Cytogenetic location: 6q21.
Variant type: single nucleotide variant.
Coding change: c.730G>C on transcript NM_014797.3 (MANE Select); coding-DNA position 730, G replaced by C.
Protein change: p.Glu244Gln; replaces glutamic acid 244 with glutamine.
Molecular consequence: missense variant.
Genome position (GRCh38, 1-based): chr6:109,481,297, C>G on the plus strand (G>C on the coding strand, the complement: ZBTB24 is on the minus strand). VCF-style: chr6-109481297-C-G. GRCh37 (hg19) VCF-style: chr6-109802500-C-G.
Other names: c.730G>C, p.Glu244Gln (NM_001164313.2); short protein forms E244Q.
Identifiers: ClinVar variation 539533 (VCV000539533.4), dbSNP rs113516976, ClinGen allele CA3954299.